The following is an entry in ClinVar:

ClinVar aggregate classification (germline): Uncertain significance (1 of 4 stars; one submission).

Conditions:
Ehlers-Danlos syndrome, type 4 (EDSVASC). Also called: Ehlers-Danlos syndrome vascular type; Ehlers Danlos syndrome, ecchymotic type; Ehlers Danlos syndrome, arterial type; Ehlers Danlos syndrome, Sack-Barabas type; Ehlers-Danlos Syndrome Type IV. Identifiers: Orphanet 286, MedGen C0268338, MONDO:0017314, OMIM 130050.

Submission:

Labcorp Genetics (formerly Invitae), Labcorp
Classification: Uncertain significance for Ehlers-Danlos syndrome, type 4. Last evaluated: 2025-12-08. Review status: criteria provided, single submitter. Criteria: Invitae Variant Classification Sherloc (09022015). Collection method: clinical testing. Allele origin: germline.
Comment: This sequence change replaces proline, which is neutral and non-polar, with threonine, which is neutral and polar, at codon 649 of the COL3A1 protein (p.Pro649Thr). This variant is not present in population databases (gnomAD no frequency). This variant has not been reported in the literature in individuals affected with COL3A1-related conditions. Invitae Evidence Modeling of protein sequence and biophysical properties (such as structural, functional, and spatial information, amino acid conservation, physicochemical variation, residue mobility, and thermodynamic stability) indicates that this missense variant is not expected to disrupt COL3A1 protein function with a negative predictive value of 95%. In summary, the available evidence is currently insufficient to determine the role of this variant in disease. Therefore, it has been classified as a Variant of Uncertain Significance.

NM_000090.4(COL3A1):c.1945C>A (p.Pro649Thr)

Gene: COL3A1 (collagen type III alpha 1 chain; plus strand). Cytogenetic location: 2q32.2.
Variant type: single nucleotide variant.
Coding change: c.1945C>A on transcript NM_000090.4 (MANE Select); coding-DNA position 1945, C replaced by A.
Protein change: p.Pro649Thr; replaces proline 649 with threonine.
Molecular consequence: missense variant.
Genome position (GRCh38, 1-based): chr2:188,998,287, C>A. VCF-style: chr2-188998287-C-A. GRCh37 (hg19) VCF-style: chr2-189863013-C-A.
Other names: short protein forms P649T.
Identifiers: ClinVar variation 4800325 (VCV004800325.1).
Genomic context (GRCh38, chr2:188,998,287, plus strand): 5'-TTTGAGGTAATTACCTAATACAAATATGATTCTTTCTAGGGCTTGCCTGGTACAGGTGGT[C>A]CTCCAGGAGAAAATGGAAAACCTGGGGAACCAGTAAGTTACGTTTCATTATTCAAAACTC-3'
Protein context (NP_000081.2, residues 639-659): GLQGLPGTGG[Pro649Thr]PGENGKPGEP